The following is an entry in ClinVar:

ClinVar aggregate classification (germline): Uncertain significance (1 of 4 stars; one submission).

Conditions:
Progressive myoclonic epilepsy. Also called: Familial progressive myoclonic epilepsy; Myoclonic Epilepsies, Progressive; Myoclonus epilepsy; Progressive myoclonus epilepsy. Identifiers: Orphanet 308, Orphanet 98261, MedGen C0751778, MONDO:0020074.

Allele frequency attached by ClinVar (database versions not stated): TOPMed below 0.00001; ExAC 0.00001; ESP Exome Variant Server 0.00015.

Submission:

Labcorp Genetics (formerly Invitae), Labcorp
Classification: Uncertain significance for Progressive myoclonic epilepsy. Last evaluated: 2023-11-27. Review status: criteria provided, single submitter. Criteria: Invitae Variant Classification Sherloc (09022015). Collection method: clinical testing. Allele origin: germline.
Comment: This sequence change replaces leucine, which is neutral and non-polar, with phenylalanine, which is neutral and non-polar, at codon 281 of the EPM2A protein (p.Leu281Phe). This variant is present in population databases (rs367551823, gnomAD 0.008%). This variant has not been reported in the literature in individuals affected with EPM2A-related conditions. ClinVar contains an entry for this variant (Variation ID: 1369000). Algorithms developed to predict the effect of missense changes on protein structure and function output the following: SIFT: "Not Available"; PolyPhen-2: "Probably Damaging"; Align-GVGD: "Not Available". The phenylalanine amino acid residue is found in multiple mammalian species, which suggests that this missense change does not adversely affect protein function. In summary, the available evidence is currently insufficient to determine the role of this variant in disease. Therefore, it has been classified as a Variant of Uncertain Significance.

NM_005670.4(EPM2A):c.841C>T (p.Leu281Phe)

Gene: EPM2A (EPM2A glucan phosphatase, laforin; minus strand). Cytogenetic location: 6q24.3.
Variant type: single nucleotide variant.
Coding change: c.841C>T on transcript NM_005670.4 (MANE Select); coding-DNA position 841, C replaced by T.
Protein change: p.Leu281Phe; replaces leucine 281 with phenylalanine.
Molecular consequence: missense variant. On other transcripts: non-coding transcript variant (1).
Genome position (GRCh38, 1-based): chr6:145,627,571, G>A on the plus strand (C>T on the coding strand, the complement: EPM2A is on the minus strand). VCF-style: chr6-145627571-G-A. GRCh37 (hg19) VCF-style: chr6-145948707-G-A.
Other names: c.841C>T, p.Leu281Phe (NM_001018041.2); c.599C>T, p.Ala200Val (NM_001360057.2); c.427C>T, p.Leu143Phe (NM_001360064.2, NM_001360071.2, NM_001368131.1); c.379C>T, p.Leu127Phe (NM_001368129.2, NM_001368132.1); short protein forms A200V, L143F, L281F, L127F.
Identifiers: ClinVar variation 1369000 (VCV001369000.6), dbSNP rs367551823, ClinGen allele CA4035058.
Genomic context (GRCh38, chr6:145,627,571, plus strand): 5'-GCCTCTTGGCCATGAGGAAATACTGCACCTTCCTCAGATTCCAGCCCATCACATACTGGA[G>A]CCAGCCGCAGACAGCCGCGGTGGAGCGGCCCACCCCAGCGTTGCAGTGCACGTACACGAT-3'
Protein context (NP_005661.1, residues 271-291): GRSTAAVCGW[Leu281Phe]QYVMGWNLRK